The following is an entry in ClinVar:

ClinVar aggregate classification (germline): Uncertain significance (1 of 4 stars; one submission).

Conditions:
Inborn genetic diseases. Identifiers: MedGen C0950123, MeSH D030342.

Submission:

Ambry Genetics
Classification: Uncertain significance for Inborn genetic diseases. Last evaluated: 2026-07-24. Review status: criteria provided, single submitter. Criteria: Ambry Variant Classification Scheme 2023. Collection method: clinical testing. Allele origin: germline.
Comment: The p.R1595S variant (also known as c.4785A>C), located in coding exon 32 of the ANKRD26 gene, results from an A to C substitution at nucleotide position 4785. The arginine at codon 1595 is replaced by serine, an amino acid with dissimilar properties. This amino acid position is conserved. In addition, this alteration is predicted to be tolerated by in silico analysis. Based on the available evidence, the clinical significance of this variant remains unclear.

NM_014915.3(ANKRD26):c.4785A>C (p.Arg1595Ser)

Gene: ANKRD26 (ankyrin repeat domain 26; minus strand). Cytogenetic location: 10p12.1.
Variant type: single nucleotide variant.
Coding change: c.4785A>C on transcript NM_014915.3 (MANE Select); coding-DNA position 4785, A replaced by C.
Protein change: p.Arg1595Ser; replaces arginine 1595 with serine.
Molecular consequence: missense variant.
Genome position (GRCh38, 1-based): chr10:27,013,050, T>G on the plus strand (A>C on the coding strand, the complement: ANKRD26 is on the minus strand). VCF-style: chr10-27013050-T-G. GRCh37 (hg19) VCF-style: chr10-27301979-T-G.
Other names: c.4782A>C, p.Arg1594Ser (NM_001256053.2); short protein forms R1594S, R1595S.
Identifiers: ClinVar variation 5023284 (VCV005023284.1).